The following is an entry in ClinVar:

ClinVar aggregate classification (germline): Uncertain significance. Review status: criteria provided, single submitter (1 of 4 stars). 2 submissions from 2 submitters: Uncertain significance (1). 1 of the submissions does not count toward it. Last evaluated 2023-06-15.

Conditions:
Amyotrophic lateral sclerosis type 18. Identifiers: Orphanet 803, MedGen C3553719, MONDO:0013891, OMIM 614808.

Allele frequency attached by ClinVar (database versions not stated): gnomAD exomes 0.00002; TOPMed 0.00002; ExAC 0.00003; gnomAD 0.00003; 1000 Genomes Project 30x 0.00016; 1000 Genomes Project 0.00020.
gnomAD v4.1: 29 of 1,604,898 alleles (0.0018%); highest among the groups gnomAD compares: Non-Finnish European, 0.0021%; no homozygotes.

Submissions (2):

Labcorp Genetics (formerly Invitae), Labcorp
Classification: Uncertain significance. Last evaluated: 2023-06-15. Review status: criteria provided, single submitter. Criteria: Invitae Variant Classification Sherloc (09022015). Collection method: clinical testing. Allele origin: germline.
Comment: This sequence change replaces arginine, which is basic and polar, with cysteine, which is neutral and slightly polar, at codon 137 of the PFN1 protein (p.Arg137Cys). This variant is present in population databases (rs546700179, gnomAD 0.004%). This variant has not been reported in the literature in individuals affected with PFN1-related conditions. An algorithm developed to predict the effect of missense changes on protein structure and function (PolyPhen-2) suggests that this variant is likely to be tolerated. In summary, the available evidence is currently insufficient to determine the role of this variant in disease. Therefore, it has been classified as a Variant of Uncertain Significance.

Diagnostics Centre, Carl Von Ossietzky University Oldenburg
Classification: Uncertain significance for Amyotrophic lateral sclerosis type 18. Last evaluated: 2025-03-31. Review status: no assertion criteria provided. Collection method: clinical testing. Allele origin: germline. Affected: yes. Observed: 1 variant allele. Not counted in ClinVar's aggregate classification.
Comment: The variant PFN1:c.409C>T p.Arg137Cys, located in the coding exon 3 of PFN1 gene, results from an cytosine to thymine substitution at nucleotide position c.409. The arginine residue at protein position 137 is replaced by a cysteine. This change is assessed as tolerated by in silico tools (REVEL = 0.27). The variant has been classified as a variant of uncertain significance in one entry in ClinVar (ClinVar ID: 2721147). This variant is classified as rare in the overall population (MAF 1,8 * e-5 in gnomAD, v4.1.0). In summary, the variant is classified as variant of uncertain significance.

NM_005022.4(PFN1):c.409C>T (p.Arg137Cys)

Gene: PFN1 (profilin 1; minus strand). Cytogenetic location: 17p13.2.
Variant type: single nucleotide variant.
Coding change: c.409C>T on transcript NM_005022.4 (MANE Select); coding-DNA position 409, C replaced by T.
Protein change: p.Arg137Cys; replaces arginine 137 with cysteine.
Molecular consequence: missense variant. On other transcripts: 3 prime UTR variant (1).
Genome position (GRCh38, 1-based): chr17:4,945,914, G>A on the plus strand (C>T on the coding strand, the complement: PFN1 is on the minus strand). VCF-style: chr17-4945914-G-A. GRCh37 (hg19) VCF-style: chr17-4849209-G-A.
Other names: c.*493C>T (NM_001375991.1); short protein forms R137C.
Identifiers: ClinVar variation 2721147 (VCV002721147.4), dbSNP rs546700179, ClinGen allele CA8315891.